The following is an entry in ClinVar:

NM_000059.4(BRCA2):c.6099del (p.Arg2034fs)

Gene: BRCA2 (BRCA2 DNA repair associated; plus strand). Cytogenetic location: 13q13.1.
Variant type: Deletion.
Coding change: c.6099del on transcript NM_000059.4 (MANE Select); coding-DNA position 6099, one base deleted (A; older notation c.6099delA).
Protein change: p.Arg2034fs; shifts the reading frame from arginine 2034.
Molecular consequence: frameshift variant.
Genome position (GRCh38, 1-based): chr13:32,340,454, A deleted. VCF-style (leftmost placement, unchanged base first): chr13-32340453-TA-T. GRCh37 (hg19) VCF-style: chr13-32914590-TA-T.
Other names: 6327delA; short protein forms R2034fs.
Identifiers: ClinVar variation 266923 (VCV000266923.5), dbSNP rs886040636, ClinGen allele CA10589354.
Genomic context (GRCh38, chr13:32,340,453, plus strand): 5'-AAGTATTGTTTAAAAGTAACGAACATTCAGACCAGCTCACAAGAGAAGAAAATACTGCTA[TA>T]CGTACTCCAGAACATTTAATATCCCAAAAAGGCTTTTCATATAATGTGGTAAATTCATCT-3'

ClinVar aggregate classification (germline): Pathogenic. Review status: reviewed by expert panel (3 of 4 stars). 2 submissions from 2 submitters: Pathogenic (1). 1 of the submissions does not count toward it. Last evaluated 2016-10-18.

Conditions:
Breast-ovarian cancer, familial, susceptibility to, 2 (BROVCA2). Also called: BRCA2 Hereditary Breast and Ovarian Cancer. Identifiers: Orphanet 145, MedGen C2675520, MONDO:0012933, OMIM 612555. Disease mechanism: loss of function.

Submissions (2):

Evidence-based Network for the Interpretation of Germline Mutant Alleles (ENIGMA)
Classification: Pathogenic for Breast-ovarian cancer, familial, susceptibility to, 2. Last evaluated: 2016-10-18. Review status: reviewed by expert panel. Criteria: ENIGMA BRCA1/2 Classification Criteria (2015). Collection method: curation. Allele origin: germline.
Comment: Variant allele predicted to encode a truncated non-functional protein.

Consortium of Investigators of Modifiers of BRCA1/2 (CIMBA), c/o University of Cambridge
Classification: Pathogenic for Breast-ovarian cancer, familial, susceptibility to, 2. Last evaluated: 2015-10-02. Review status: criteria provided, single submitter. Criteria: CIMBA Mutation Classification guidelines May 2016. Collection method: clinical testing. Allele origin: germline. Not counted in ClinVar's aggregate classification.